The following is an entry in ClinVar:

NM_001177693.2(ARHGEF28):c.4468C>T (p.Arg1490Trp)

Gene: ARHGEF28 (Rho guanine nucleotide exchange factor 28; plus strand). Cytogenetic location: 5q13.2.
Variant type: single nucleotide variant.
Coding change: c.4468C>T on transcript NM_001177693.2 (MANE Select); coding-DNA position 4468, C replaced by T.
Protein change: p.Arg1490Trp; replaces arginine 1490 with tryptophan.
Molecular consequence: missense variant.
Genome position (GRCh38, 1-based): chr5:73,909,718, C>T. VCF-style: chr5-73909718-C-T. GRCh37 (hg19) VCF-style: chr5-73205543-C-T.
Other names: c.4468C>T, p.Arg1490Trp (NM_001080479.3, NM_001388078.1); c.3529C>T, p.Arg1177Trp (NM_001244364.2); c.4174C>T, p.Arg1392Trp (NM_001388076.1); short protein forms R1177W, R1392W, R1490W.
Identifiers: ClinVar variation 2655527 (VCV002655527.24), dbSNP rs1561186130, ClinGen allele CA360112242.

ClinVar aggregate classification (germline): Uncertain significance (1 of 4 stars; one submission).

Allele frequency attached by ClinVar (database versions not stated): gnomAD exomes below 0.00001.
gnomAD v4.1: 2 of 1,522,400 alleles (0.00013%); highest among the groups gnomAD compares: Non-Finnish European, 0.000088%; no homozygotes.

Submission:

CeGaT Center for Human Genetics Tuebingen
Classification: Uncertain significance. Last evaluated: 2022-07-01. Review status: criteria provided, single submitter. Criteria: CeGaT Center For Human Genetics Tuebingen Variant Classification Criteria Version 2. Collection method: clinical testing. Allele origin: germline. Affected: yes. Observed: 1 variant allele.
Comment: ARHGEF28: PM2, BP4